The following is an entry in ClinVar:

ClinVar aggregate classification (germline): Likely benign (1 of 4 stars; one submission).

Submission:

GeneDx
Classification: Likely benign. Last evaluated: 2021-02-01. Review status: criteria provided, single submitter. Criteria: GeneDx Variant Classification Process June 2021. Collection method: clinical testing. Allele origin: germline. Affected: yes.
Comment: In silico analysis supports that this missense variant does not alter protein structure/function; Has not been previously published as pathogenic or benign to our knowledge

NM_001372044.2(SHANK3):c.3257G>C (p.Gly1086Ala)

Gene: SHANK3 (SH3 and multiple ankyrin repeat domains 3; plus strand). Cytogenetic location: 22q13.33.
Variant type: single nucleotide variant.
Coding change: c.3257G>C on transcript NM_001372044.2 (MANE Select); coding-DNA position 3257, G replaced by C.
Protein change: p.Gly1086Ala; replaces glycine 1086 with alanine.
Molecular consequence: missense variant.
Genome position (GRCh38, 1-based): chr22:50,720,865, G>C. VCF-style: chr22-50720865-G-C. GRCh37 (hg19) VCF-style: chr22-51159293-G-C.
Other names: c.3032G>C (NM_033517.1); short protein forms G1086A.
Identifiers: ClinVar variation 1198776 (VCV001198776.2), dbSNP rs767058690, ClinGen allele CA515260516.